The following is an entry in ClinVar:

NM_001184.4(ATR):c.7226G>A (p.Cys2409Tyr)

Gene: ATR (ATR serine/threonine kinase; minus strand). Cytogenetic location: 3q23.
Variant type: single nucleotide variant.
Coding change: c.7226G>A on transcript NM_001184.4 (MANE Select); coding-DNA position 7226, G replaced by A.
Protein change: p.Cys2409Tyr; replaces cysteine 2409 with tyrosine.
Molecular consequence: missense variant.
Genome position (GRCh38, 1-based): chr3:142,459,350, C>T on the plus strand (G>A on the coding strand, the complement: ATR is on the minus strand). VCF-style: chr3-142459350-C-T. GRCh37 (hg19) VCF-style: chr3-142178192-C-T.
Other names: c.7034G>A, p.Cys2345Tyr (NM_001354579.2); short protein forms C2345Y, C2409Y.
Identifiers: ClinVar variation 3331380 (VCV003331380.1).

ClinVar aggregate classification (germline): Uncertain significance (1 of 4 stars; one submission).

Conditions:
Inborn genetic diseases. Identifiers: MedGen C0950123, MeSH D030342.

gnomAD v4.1: 3 of 1,613,912 alleles (0.00019%); highest among the groups gnomAD compares: East Asian, 0.0022%; no homozygotes.

Submission:

Ambry Genetics
Classification: Uncertain significance for Inborn genetic diseases. Last evaluated: 2024-03-27. Review status: criteria provided, single submitter. Criteria: Ambry Variant Classification Scheme 2023. Collection method: clinical testing. Allele origin: germline.
Comment: The p.C2409Y variant (also known as c.7226G>A), located in coding exon 43 of the ATR gene, results from a G to A substitution at nucleotide position 7226. The cysteine at codon 2409 is replaced by tyrosine, an amino acid with highly dissimilar properties. This amino acid position is conserved. In addition, this alteration is predicted to be tolerated by in silico analysis. Based on the available evidence, the clinical significance of this alteration remains unclear.